The following is an entry in ClinVar:

ClinVar aggregate classification (germline): Uncertain significance (1 of 4 stars; one submission).

Conditions:
Benign neonatal seizures. Also called: Benign familial neonatal epilepsy; Benign familial neonatal seizures; Convulsions benign familial neonatal dominant form; Autosomal dominant form of benign neonatal seizures; Benign neonatal familial convulsions. Identifiers: Orphanet 1949, MedGen C0220669, MONDO:0016027.

Submission:

Labcorp Genetics (formerly Invitae), Labcorp
Classification: Uncertain significance for Benign neonatal seizures. Last evaluated: 2022-10-27. Review status: criteria provided, single submitter. Criteria: Invitae Variant Classification Sherloc (09022015). Collection method: clinical testing. Allele origin: germline.
Comment: This sequence change replaces proline, which is neutral and non-polar, with histidine, which is basic and polar, at codon 847 of the KCNQ3 protein (p.Pro847His). This variant is not present in population databases (gnomAD no frequency). This variant has not been reported in the literature in individuals affected with KCNQ3-related conditions. Advanced modeling of protein sequence and biophysical properties (such as structural, functional, and spatial information, amino acid conservation, physicochemical variation, residue mobility, and thermodynamic stability) performed at Invitae indicates that this missense variant is expected to disrupt KCNQ3 protein function. In summary, the available evidence is currently insufficient to determine the role of this variant in disease. Therefore, it has been classified as a Variant of Uncertain Significance.

NM_004519.4(KCNQ3):c.2540C>A (p.Pro847His)

Gene: KCNQ3 (potassium voltage-gated channel subfamily Q member 3; minus strand). Cytogenetic location: 8q24.22.
Variant type: single nucleotide variant.
Coding change: c.2540C>A on transcript NM_004519.4 (MANE Select); coding-DNA position 2540, C replaced by A.
Protein change: p.Pro847His; replaces proline 847 with histidine.
Molecular consequence: missense variant.
Genome position (GRCh38, 1-based): chr8:132,129,341, G>T on the plus strand (C>A on the coding strand, the complement: KCNQ3 is on the minus strand). VCF-style: chr8-132129341-G-T. GRCh37 (hg19) VCF-style: chr8-133141588-G-T.
Other names: c.2180C>A, p.Pro727His (NM_001204824.2); short protein forms P847H, P727H.
Identifiers: ClinVar variation 2809341 (VCV002809341.3), dbSNP rs2536856106, ClinGen allele CA372215543.